The following is an entry in ClinVar:

ClinVar aggregate classification (germline): Uncertain significance. Review status: criteria provided, multiple submitters, no conflicts (2 of 4 stars). 5 submissions from 5 submitters: Uncertain significance (5). Last evaluated 2025-02-05.

Conditions:
Hereditary cancer-predisposing syndrome. Also called: Hereditary neoplastic syndrome; Hereditary Cancer Syndrome; Neoplastic Syndromes, Hereditary; Tumor predisposition. Identifiers: Orphanet 140162, MedGen C0027672, MeSH D009386, MONDO:0015356.
Familial cancer of breast. Also called: Hereditary breast cancer; BREAST CANCER, FAMILIAL; hereditary breast carcinoma. Identifiers: Orphanet 227535, MedGen C0346153, MONDO:0016419, OMIM 114480. Disease mechanism: loss of function.
Fanconi anemia complementation group J. Also called: BRIP1-Related Fanconi Anemia. Identifiers: Orphanet 84, MedGen C1836860, MONDO:0012187, OMIM 609054.

Allele frequency attached by ClinVar (database versions not stated): gnomAD exomes below 0.00001.
gnomAD v4.1: 1 of 1,614,012 alleles (0.000062%); highest among the groups gnomAD compares: African/African-American, 0.0013%; no homozygotes.

Submissions (5):

Ambry Genetics
Classification: Uncertain significance for Hereditary cancer-predisposing syndrome. Last evaluated: 2025-02-05. Review status: criteria provided, single submitter. Criteria: Ambry Variant Classification Scheme 2023. Collection method: clinical testing. Allele origin: germline.
Comment: The p.E883K variant (also known as c.2647G>A), located in coding exon 18 of the BRIP1 gene, results from a G to A substitution at nucleotide position 2647. The glutamic acid at codon 883 is replaced by lysine, an amino acid with similar properties. This amino acid position is not well conserved in available vertebrate species. In addition, this alteration is predicted to be tolerated by in silico analysis. Since supporting evidence is limited at this time, the clinical significance of this alteration remains unclear.

Labcorp Genetics (formerly Invitae), Labcorp
Classification: Uncertain significance for Familial cancer of breast; Fanconi anemia complementation group J. Last evaluated: 2024-10-28. Review status: criteria provided, single submitter. Criteria: Invitae Variant Classification Sherloc (09022015). Collection method: clinical testing. Allele origin: germline.
Comment: This sequence change replaces glutamic acid, which is acidic and polar, with lysine, which is basic and polar, at codon 883 of the BRIP1 protein (p.Glu883Lys). This variant is not present in population databases (gnomAD no frequency). This variant has not been reported in the literature in individuals affected with BRIP1-related conditions. ClinVar contains an entry for this variant (Variation ID: 1364505). Invitae Evidence Modeling of protein sequence and biophysical properties (such as structural, functional, and spatial information, amino acid conservation, physicochemical variation, residue mobility, and thermodynamic stability) indicates that this missense variant is not expected to disrupt BRIP1 protein function with a negative predictive value of 95%. In summary, the available evidence is currently insufficient to determine the role of this variant in disease. Therefore, it has been classified as a Variant of Uncertain Significance.

Fulgent Genetics
Classification: Uncertain significance for Familial cancer of breast; Fanconi anemia complementation group J. Last evaluated: 2023-12-28. Review status: criteria provided, single submitter. Criteria: ACMG Guidelines, 2015. Collection method: clinical testing. Allele origin: germline.

Baylor Genetics
Classification: Uncertain significance for Familial cancer of breast. Last evaluated: 2022-08-10. Review status: criteria provided, single submitter. Criteria: ACMG Guidelines, 2015. Collection method: clinical testing. Allele origin: unknown.

Sema4
Classification: Uncertain significance for Hereditary cancer-predisposing syndrome. Last evaluated: 2021-09-11. Review status: criteria provided, single submitter. Criteria: Sema4 Curation Guidelines. Collection method: curation. Allele origin: germline.
Comment: The BRIP1 c.2647G>A (p.E883K) variant has not been reported in the literature to our knowledge. It was not observed in the large and broad cohorts of the Genome Aggregation Database. The variant has not been reported in ClinVar. In silico tools suggest the impact of the variant on protein function is benign, though these predictions have not been confirmed by functional studies. The evidence is insufficient to meet ACMG/AMP criteria for classifying the variant as benign or pathogenic. Thus, the clinical significance of this variant is currently uncertain.

NM_032043.3(BRIP1):c.2647G>A (p.Glu883Lys)

Gene: BRIP1 (BRCA1 interacting DNA helicase 1; minus strand). Cytogenetic location: 17q23.2.
Variant type: single nucleotide variant.
Coding change: c.2647G>A on transcript NM_032043.3 (MANE Select); coding-DNA position 2647, G replaced by A.
Protein change: p.Glu883Lys; replaces glutamic acid 883 with lysine.
Molecular consequence: missense variant.
Genome position (GRCh38, 1-based): chr17:61,686,094, C>T on the plus strand (G>A on the coding strand, the complement: BRIP1 is on the minus strand). VCF-style: chr17-61686094-C-T. GRCh37 (hg19) VCF-style: chr17-59763455-C-T.
Other names: short protein forms E883K.
Identifiers: ClinVar variation 1364505 (VCV001364505.14), dbSNP rs2061359691, ClinGen allele CA400481871.
Genomic context (GRCh38, chr17:61,686,094, plus strand): 5'-GTATATTGGTTCTGTCCTTTATGGATACATTAAGAACTTTTTGATGCTTTTTGGAAAATT[C>T]AGCCAAGGATTCCAGTGCACTTTCAAAGGTTGAATGGTGCTGAATCTGCTGCCGTACCCA-3'
Protein context (NP_114432.2, residues 873-893): TFESALESLA[Glu883Lys]FSKKHQKVLN